The following is an entry in ClinVar:

ClinVar aggregate classification (germline): Uncertain significance. Review status: reviewed by expert panel (3 of 4 stars). 2 submissions from 2 submitters: Uncertain significance (1). 1 of the submissions does not count toward it. Last evaluated 2026-09-26.

Conditions:
Juvenile retinoschisis (RS1). Also called: X-linked retinoschisis; X-Linked Juvenile Retinoschisis. Identifiers: Orphanet 792, MedGen C3714753, MONDO:0010725, OMIM 312700.

Submissions (2):

ClinGen X-linked Inherited Retinal Disease Variant Curation Expert Panel, ClinGen
Classification: Uncertain significance for Juvenile retinoschisis. Last evaluated: 2026-09-26. Review status: reviewed by expert panel. Criteria: ClinGen X LinkedIRD ACMG Specifications RS1 V1.0.0. Collection method: curation. Allele origin: germline. Inheritance: X-linked inheritance.
Comment: The NM_000330.4(RS1):c.218C>T (p.Ser73Leu) variant is a missense variant encoding the substitution of Serine and Leucine at amino acid 73. This variant is absent from hemizygous individuals in gnomAD v4.1.0 (PM2_Supporting). The computational predictor REVEL gives a score of 0.825, which is within the ClinGen X-linked IRD VCEP range between 0.931 and 0.773 and predicts a damaging effect on RS1 function (PP3_moderate). The computational splicing predictor SpliceAI gives a delta score of 0.02 for acceptor gain, which is below the ClinGen X-linked IRD VCEP threshold of >0.2 and does not predict that the variant disrupts RS1 splicing. Another missense variant in the same codon, NM_000330.4(RS1):c.217T>C (p.Ser73Pro), (PMIDs: 15531314, 17615541) has been classified as likely pathogenic for X-linked retinoschisis by the ClinGen X-linked IRD VCEP, while no benign missense variants have been identified in this codon. The present variant has a higher Grantham’s distance (145) than the comparison variant (74), and SpliceAI has been used to confirm that neither variant has a predicted impact on RS1 splicing (PM5_Supporting). At least one proband harboring this variant exhibits the following phenotypes, including the appearance of schisis and reduced visual acuity before age 13 years, which together are specific for X-linked retinoschisis (PMID: 30652005, PP4). In summary, this variant is classified as a variant of uncertain significance for X-linked retinoschisis based on the ClinGen X-linked Inherited Retinal Disease Expert Panel Specifications to the ACMG/AMP Variant Interpretation Guidelines for RS1 Version 1.0.0: PM2_Supporting, PP3_Moderate, PM5_Supporting, and PP4.

3billion
Classification: Likely pathogenic for Juvenile retinoschisis. Last evaluated: 2025-03-20. Review status: criteria provided, single submitter. Criteria: ACMG Guidelines, 2015. Collection method: clinical testing. Allele origin: germline. Affected: yes. Not counted in ClinVar's aggregate classification.

Literature cited by the submitters: PubMed 15531314 (cited by 3billion); PubMed 30652005 (cited by 3billion).

NM_000330.4(RS1):c.218C>T (p.Ser73Leu)

Genes: CDKL5 (cyclin dependent kinase like 5; plus strand), RS1 (retinoschisin 1; minus strand). Cytogenetic location: Xp22.13.
Variant type: single nucleotide variant.
Coding change: c.218C>T on transcript NM_000330.4 (MANE Select); coding-DNA position 218, C replaced by T.
Protein change: p.Ser73Leu; replaces serine 73 with leucine.
Molecular consequence: missense variant. On other transcripts: intron variant (2).
Genome position (GRCh38, 1-based): chrX:18,647,299, G>A on the plus strand (C>T on the coding strand, the complement: RS1 is on the minus strand). VCF-style: chrX-18647299-G-A. GRCh37 (hg19) VCF-style: chrX-18665419-G-A.
Other names: NM_000330.4(RS1):c.218C>T; p.Ser73Leu; c.2797+1209G>A (NM_003159.3, NM_001037343.2); short protein forms S73L.
Identifiers: ClinVar variation 4292179 (VCV004292179.2).